The following is an entry in ClinVar:

NM_019613.4(WDR45B):c.942C>T (p.Asp314=)

Gene: WDR45B (WD repeat domain 45B; minus strand). Cytogenetic location: 17q25.3.
Variant type: single nucleotide variant.
Coding change: c.942C>T on transcript NM_019613.4 (MANE Select); coding-DNA position 942, C replaced by T.
Protein change: p.Asp314=; no amino-acid change (aspartic acid 314 retained).
Molecular consequence: synonymous variant.
Genome position (GRCh38, 1-based): chr17:82,616,012, G>A on the plus strand (C>T on the coding strand, the complement: WDR45B is on the minus strand). VCF-style: chr17-82616012-G-A. GRCh37 (hg19) VCF-style: chr17-80573888-G-A.
Identifiers: ClinVar variation 774726 (VCV000774726.39), dbSNP rs147083174, ClinGen allele CA8859890.

ClinVar aggregate classification (germline): Benign/Likely benign. Review status: criteria provided, multiple submitters, no conflicts (2 of 4 stars). 4 submissions from 4 submitters: Benign (1); Likely benign (3). Last evaluated 2026-09-01.

Conditions:
Neurodevelopmental disorder with spastic quadriplegia and brain abnormalities with or without seizures. Also called: ELHATTAB-ALKURAYA SYNDROME. Identifiers: MedGen C4693816, MONDO:0060704, OMIM 617977.

Allele frequency attached by ClinVar (database versions not stated): 1000 Genomes Project 0.00379; 1000 Genomes Project 30x 0.00390; TOPMed 0.00568; gnomAD exomes 0.00572 and 0.00759; gnomAD 0.00591 and 0.00609; ExAC 0.00598; ESP Exome Variant Server 0.00630.

Submissions (4):

CeGaT Center for Human Genetics Tuebingen
Classification: Likely benign. Last evaluated: 2026-09-01. Review status: criteria provided, single submitter. Criteria: CeGaT Center For Human Genetics Tuebingen Variant Classification Criteria Version 2. Collection method: clinical testing. Allele origin: germline. Affected: yes. Observed: 22 variant alleles.
Comment: WDR45B: BP4, BP7, BS2

Fulgent Genetics
Classification: Likely benign for Neurodevelopmental disorder with spastic quadriplegia and brain abnormalities with or without seizures. Last evaluated: 2021-09-27. Review status: criteria provided, single submitter. Criteria: ACMG Guidelines, 2015. Collection method: clinical testing. Allele origin: unknown.

Labcorp Genetics (formerly Invitae), Labcorp
Classification: Benign. Last evaluated: 2019-12-31. Review status: criteria provided, single submitter. Criteria: Invitae Variant Classification Sherloc (09022015). Collection method: clinical testing. Allele origin: germline.

Breakthrough Genomics
Classification: Likely benign. Review status: criteria provided, single submitter. Criteria: ACMG Guidelines, 2015. Collection method: not provided. Allele origin: germline. Inheritance: Autosomal recessive inheritance. Affected: yes.